The following is an entry in ClinVar:

NM_000093.5(COL5A1):c.514G>A (p.Val172Ile)

Gene: COL5A1 (collagen type V alpha 1 chain; plus strand). Cytogenetic location: 9q34.3.
Variant type: single nucleotide variant.
Coding change: c.514G>A on transcript NM_000093.5 (MANE Select); coding-DNA position 514, G replaced by A.
Protein change: p.Val172Ile; replaces valine 172 with isoleucine.
Molecular consequence: missense variant.
Genome position (GRCh38, 1-based): chr9:134,701,193, G>A. VCF-style: chr9-134701193-G-A. GRCh37 (hg19) VCF-style: chr9-137593039-G-A.
Other names: p.V172I:GTC>ATC; c.514G>A, p.Val172Ile (NM_001278074.1); short protein forms V172I.
Identifiers: ClinVar variation 212919 (VCV000212919.22), dbSNP rs150147262, ClinGen allele CA322705.

ClinVar aggregate classification (germline): Likely benign. Review status: criteria provided, multiple submitters, no conflicts (2 of 4 stars). 5 submissions from 5 submitters: Likely benign (4). 1 of the submissions does not count toward it. Last evaluated 2025-11-25.

Conditions:
COL5A1-related disorder. Also called: COL5A1-related condition.
Ehlers-Danlos syndrome, classic type, 1 (EDSCL1). Also called: Ehlers-Danlos Syndrome, Classic Type, COL5A1-Related; EHLERS-DANLOS SYNDROME, GRAVIS TYPE; EHLERS-DANLOS SYNDROME, SEVERE CLASSIC TYPE; Ehlers-Danlos syndrome, type 1; EDS I. Identifiers: MedGen C0268335, MONDO:0019567, OMIM 130000.
Familial thoracic aortic aneurysm and aortic dissection (TAAD). Also called: Thoracic aortic aneurysms and dissections. Identifiers: Orphanet 91387, MedGen C4707243, MONDO:0019625.

Allele frequency attached by ClinVar (database versions not stated): TOPMed 0.00025; 1000 Genomes Project 30x 0.00031; 1000 Genomes Project 0.00020.
gnomAD v4.1: 77 of 1,613,940 alleles (0.0048%); highest among the groups gnomAD compares: African/African-American, 0.067%; no homozygotes.

Submissions (5):

Women's Health and Genetics/Laboratory Corporation of America, LabCorp
Classification: Likely benign. Last evaluated: 2025-11-25. Review status: criteria provided, single submitter. Criteria: LabCorp Variant Classification Summary - May 2015. Collection method: clinical testing. Allele origin: germline.
Comment: Variant summary: COL5A1 c.514G>A (p.Val172Ile) results in a conservative amino acid change in the encoded protein sequence. Algorithms developed to predict the effect of missense changes on protein structure and function all suggest that this variant is likely to be tolerated. The variant allele was found at a frequency of 7.6e-05 in 250454 control chromosomes. The observed variant frequency exceeds the estimated maximal expected allele frequency for disease-causing variants in COL5A1. To our knowledge, no occurrence of c.514G>A in individuals affected with COL5A1-related conditions and no experimental evidence demonstrating its impact on protein function have been reported. ClinVar contains an entry for this variant (Variation ID: 212919). Based on the evidence outlined above, the variant was classified as likely benign.

Labcorp Genetics (formerly Invitae), Labcorp
Classification: Likely benign for Ehlers-Danlos syndrome, classic type, 1. Last evaluated: 2025-05-06. Review status: criteria provided, single submitter. Criteria: Invitae Variant Classification Sherloc (09022015). Collection method: clinical testing. Allele origin: germline.

GeneDx
Classification: Likely benign. Last evaluated: 2019-05-23. Review status: criteria provided, single submitter. Criteria: GeneDx Variant Classification Process June 2021. Collection method: clinical testing. Allele origin: germline. Affected: yes.
Comment: In silico analysis, which includes protein predictors and evolutionary conservation, supports that this variant does not alter protein structure/function; Has not been previously published as pathogenic or benign to our knowledge; Reported in ClinVar as likely benign (ClinVar Variant ID# 212919; Landrum et al., 2016)

Ambry Genetics
Classification: Likely benign for Familial thoracic aortic aneurysm and aortic dissection. Last evaluated: 2017-06-29. Review status: criteria provided, single submitter. Criteria: Ambry Variant Classification Scheme 2023. Collection method: clinical testing. Allele origin: germline.

PreventionGenetics, part of Exact Sciences
Classification: Likely benign for COL5A1-related condition. Last evaluated: 2023-01-31. Review status: no assertion criteria provided. Collection method: clinical testing. Allele origin: germline. Not counted in ClinVar's aggregate classification.
Comment: This variant is classified as likely benign based on ACMG/AMP sequence variant interpretation guidelines (Richards et al. 2015 PMID: 25741868, with internal and published modifications).